The following is an entry in ClinVar:

ClinVar aggregate classification (germline): Uncertain significance (1 of 4 stars; one submission).

Conditions:
Hyperphosphatasia with impaired intellectual development syndrome 2. Also called: Hyperphosphatasia with intellectual disability syndrome 2; GLYCOSYLPHOSPHATIDYLINOSITOL BIOSYNTHESIS DEFECT 6. Identifiers: Orphanet 247262, MedGen C3553637, MONDO:0013882, OMIM 614749.

Allele frequency attached by ClinVar (database versions not stated): ESP Exome Variant Server 0.00031; gnomAD exomes 0.00001; TOPMed 0.00003; gnomAD 0.00004.
gnomAD v4.1: 12 of 1,614,034 alleles (0.00074%); highest among the groups gnomAD compares: African/African-American, 0.016%; no homozygotes.

Submission:

Labcorp Genetics (formerly Invitae), Labcorp
Classification: Uncertain significance for Hyperphosphatasia with impaired intellectual development syndrome 2. Last evaluated: 2024-10-22. Review status: criteria provided, single submitter. Criteria: Invitae Variant Classification Sherloc (09022015). Collection method: clinical testing. Allele origin: germline.
Comment: This sequence change replaces serine, which is neutral and polar, with threonine, which is neutral and polar, at codon 1077 of the PIGO protein (p.Ser1077Thr). This variant is present in population databases (rs150257961, gnomAD 0.01%). This variant has not been reported in the literature in individuals affected with PIGO-related conditions. ClinVar contains an entry for this variant (Variation ID: 972120). Invitae Evidence Modeling of protein sequence and biophysical properties (such as structural, functional, and spatial information, amino acid conservation, physicochemical variation, residue mobility, and thermodynamic stability) indicates that this missense variant is not expected to disrupt PIGO protein function with a negative predictive value of 80%. In summary, the available evidence is currently insufficient to determine the role of this variant in disease. Therefore, it has been classified as a Variant of Uncertain Significance.

NM_032634.4(PIGO):c.3230G>C (p.Ser1077Thr)

Gene: PIGO (phosphatidylinositol glycan anchor biosynthesis class O; minus strand). Cytogenetic location: 9p13.3.
Variant type: single nucleotide variant.
Coding change: c.3230G>C on transcript NM_032634.4 (MANE Select); coding-DNA position 3230, G replaced by C.
Protein change: p.Ser1077Thr; replaces serine 1077 with threonine.
Molecular consequence: missense variant.
Genome position (GRCh38, 1-based): chr9:35,089,132, C>G on the plus strand (G>C on the coding strand, the complement: PIGO is on the minus strand). VCF-style: chr9-35089132-C-G. GRCh37 (hg19) VCF-style: chr9-35089129-C-G.
Other names: c.1979G>C, p.Ser660Thr (NM_001201484.2, NM_152850.4); short protein forms S1077T, S660T.
Identifiers: ClinVar variation 972120 (VCV000972120.9), dbSNP rs150257961, ClinGen allele CA5040202.